The following is an entry in ClinVar:

ClinVar aggregate classification (germline): Conflicting classifications of pathogenicity. Review status: criteria provided, conflicting classifications (1 of 4 stars). 5 submissions from 5 submitters: Pathogenic (3); Uncertain significance (2). Last evaluated 2026-09-08.

Conditions:
Fabry disease. Also called: GLA DEFICIENCY; Fabry's disease; ALPHA-GALACTOSIDASE A DEFICIENCY; ANDERSON-FABRY DISEASE; CERAMIDE TRIHEXOSIDASE DEFICIENCY; Ceramide trihexosidosis. Identifiers: Orphanet 324, MedGen C0002986, MONDO:0010526, OMIM 301500, HP:0001071. Disease mechanism: Fabry disease is due to inactivating mutations in the X-linked GLA gene resulting in deficiency of the enzyme Alpha Galactosidase-A., loss of function.

Submissions (5):

Genomenon, Inc
Classification: Pathogenic for Fabry disease. Last evaluated: 2026-09-08. Review status: criteria provided, single submitter. Criteria: Genomenon Sequence Variant Interpretation Standards - Updated. Collection method: curation. Allele origin: germline. Affected: yes.
Comment: GLA p.Trp44Cys (c.132G>T) is a missense variant that changes the amino acid at codon 44 from Tryptophan to Cysteine. This variant has been observed in at least one proband with clinical features consistent with Fabry disease (PMID:33437642;16215932;32127409;40760696;30988410;29631605). The variant was found to segregate with disease in at least one affected family (PMID:33437642;16215932). At least one functional study has demonstrated a substantial alteration in protein function relative to the wild-type (PMID:27657681). This variant is located in a mutational hotspot and/or important functional domain. It is absent or not present at a significant frequency in gnomAD. In silico models predict that this variant is possibly or probably damaging. In conclusion, we classify GLA p.Trp44Cys (c.132G>T) as a pathogenic variant.

Serv. Biochemistry and Molecular genetics, Hospital Clinic de Barcelona, Hospital Clínic de Barcelona
Classification: Pathogenic for Fabry disease. Last evaluated: 2026-05-21. Review status: criteria provided, single submitter. Criteria: ACMG Guidelines, 2015. Collection method: clinical testing. Allele origin: germline. Inheritance: X-linked inheritance. Affected: yes. Observed: 3 variant alleles. Clinical features observed: Chronic kidney disease (HP:0012622).
Comment: Classification reported in the manuscript using ACMG criteria/in silico tools: Pathogenic. Variant type: Missense; amino acid change: p.Trp44Cys. Criteria: PM1, PM2, PM5, PP2, PP3, PS1, PS4,

Women's Health and Genetics/Laboratory Corporation of America, LabCorp
Classification: Pathogenic for Fabry disease. Last evaluated: 2024-10-21. Review status: criteria provided, single submitter. Criteria: LabCorp Variant Classification Summary - May 2015. Collection method: clinical testing. Allele origin: germline.
Comment: Variant summary: GLA c.132G>T (p.Trp44Cys) results in a non-conservative amino acid change in the encoded protein sequence. Five of five in-silico tools predict a damaging effect of the variant on protein function. The variant was absent in 183425 control chromosomes (gnomAD). c.132G>T has been reported in the literature in multiple individuals affected with Fabry Disease (e.g. Wang_2005, Kobayashi_2019, Najafian_2020, Dutra-Clarke_2021). These data indicate that the variant is very likely to be associated with disease. The following publications have been ascertained in the context of this evaluation (PMID: 16215932, 20629180, 25382311, 26712400, 33437642, 34745889, 29631605, 30988410, 32127409). ClinVar contains an entry for this variant (Variation ID: 495693). Based on the evidence outlined above, the variant was classified as pathogenic.

Genome-Nilou Lab
Classification: Uncertain significance for Fabry disease. Last evaluated: 2021-07-15. Review status: criteria provided, single submitter. Criteria: ACMG Guidelines, 2015. Collection method: clinical testing. Allele origin: germline. Affected: no.

Eurofins Ntd Llc (ga)
Classification: Uncertain significance. Last evaluated: 2017-08-22. Review status: criteria provided, single submitter. Criteria: EGL Classification Definitions 2015. Collection method: clinical testing. Allele origin: germline. Observed: 1 variant allele, 1 hemizygote.

Literature cited by the submitters: PubMed 33437642 (cited by 3 submitters); PubMed 16215932 (cited by 3 submitters); PubMed 32127409 (cited by 3 submitters); PubMed 40760696 (cited by Genomenon, Inc); PubMed 30988410 (cited by 3 submitters); PubMed 29631605 (cited by 3 submitters); PubMed 27657681 (cited by Genomenon, Inc); PubMed 20629180 (cited by Serv. Biochemistry and Molecular genetics, Hospital Clinic de Barcelona, Hospital Clínic de Barcelona and Women's Health and Genetics/Laboratory Corporation of America, LabCorp); PubMed 25382311 (cited by Serv. Biochemistry and Molecular genetics, Hospital Clinic de Barcelona, Hospital Clínic de Barcelona and Women's Health and Genetics/Laboratory Corporation of America, LabCorp); PubMed 26712400 (cited by Serv. Biochemistry and Molecular genetics, Hospital Clinic de Barcelona, Hospital Clínic de Barcelona and Women's Health and Genetics/Laboratory Corporation of America, LabCorp); PubMed 34745889 (cited by Serv. Biochemistry and Molecular genetics, Hospital Clinic de Barcelona, Hospital Clínic de Barcelona and Women's Health and Genetics/Laboratory Corporation of America, LabCorp).

NM_000169.3(GLA):c.132G>T (p.Trp44Cys)

Genes: GLA (galactosidase alpha; minus strand), RPL36A-HNRNPH2 (RPL36A-HNRNPH2 readthrough; plus strand). Cytogenetic location: Xq22.1.
Variant type: single nucleotide variant.
Coding change: c.132G>T on transcript NM_000169.3 (MANE Select); coding-DNA position 132, G replaced by T.
Protein change: p.Trp44Cys; replaces tryptophan 44 with cysteine.
Molecular consequence: missense variant. On other transcripts: non-coding transcript variant (3), intron variant (2).
Genome position (GRCh38, 1-based): chrX:101,407,772, C>A on the plus strand (G>T on the coding strand, the complement: GLA is on the minus strand). VCF-style: chrX-101407772-C-A. GRCh37 (hg19) VCF-style: chrX-100662760-C-A.
Other names: c.132G>T, p.Trp44Cys (NM_001406747.1, NM_001406748.1, NM_001406749.1); c.301-4164C>A (NM_001199973.2); c.178-4164C>A (NM_001199974.2); short protein forms W44C.
Identifiers: ClinVar variation 495693 (VCV000495693.11), dbSNP rs398123202, ClinGen allele CA413937124.